The following is an entry in ClinVar:

ClinVar aggregate classification (germline): Uncertain significance (1 of 4 stars; one submission).

Conditions:
Keratosis follicularis (DAR). Also called: Darier disease; Darier's disease. Identifiers: Orphanet 218, MedGen C0022595, MONDO:0007417, OMIM 124200.

Submission:

MVZ Medizinische Genetik Mainz
Classification: Uncertain significance for Keratosis follicularis. Last evaluated: 2024-02-09. Review status: criteria provided, single submitter. Criteria: UK Practice Guidelines For Variant Classification V4 01 2020. Collection method: clinical testing. Allele origin: germline. Inheritance: Autosomal dominant inheritance. Observed: 1 variant allele.
Comment: ACMG Criteria: PM2_SUP,PP3

NM_170665.4(ATP2A2):c.2607+3A>T

Genes: ATP2A2 (ATPase sarcoplasmic/endoplasmic reticulum Ca2+ transporting 2; plus strand), LOC126861638 (MED14-independent group 3 enhancer GRCh37_chr12:110782389-110783588; plus strand). Cytogenetic location: 12q24.11.
Variant type: single nucleotide variant.
Coding change: c.2607+3A>T on transcript NM_170665.4 (MANE Select); 3 bases into the intron after coding-DNA position 2607, A replaced by T.
Molecular consequence: intron variant.
Genome position (GRCh38, 1-based): chr12:110,344,974, A>T. VCF-style: chr12-110344974-A-T. GRCh37 (hg19) VCF-style: chr12-110782779-A-T.
Other names: c.2232+3A>T (NM_001413015.1); c.2607+3A>T (NM_001413014.1, NM_001681.4); c.2502+3A>T (NM_001413013.1).
Identifiers: ClinVar variation 3066277 (VCV003066277.1), dbSNP rs2548565275, ClinGen allele CA2740097995.